The following is an entry in ClinVar:

NM_000059.4(BRCA2):c.9971C>G (p.Pro3324Arg)

Gene: BRCA2 (BRCA2 DNA repair associated; plus strand). Cytogenetic location: 13q13.1.
Variant type: single nucleotide variant.
Coding change: c.9971C>G on transcript NM_000059.4 (MANE Select); coding-DNA position 9971, C replaced by G.
Protein change: p.Pro3324Arg; replaces proline 3324 with arginine.
Molecular consequence: missense variant. On other transcripts: non-coding transcript variant (1).
Genome position (GRCh38, 1-based): chr13:32,398,484, C>G. VCF-style: chr13-32398484-C-G. GRCh37 (hg19) VCF-style: chr13-32972621-C-G.
Other names: c.9875C>G, p.Pro3292Arg (NM_001406719.1); c.9920C>G, p.Pro3307Arg (NM_001406720.1); c.5039C>G, p.Pro1680Arg (NM_001406721.1); c.3554C>G, p.Pro1185Arg (NM_001406722.1); short protein forms P1185R, P1680R, P3292R, P3307R, P3324R.
Identifiers: ClinVar variation 2683806 (VCV002683806.2), dbSNP rs1593202112, ClinGen allele CA387767464.
Genomic context (GRCh38, chr13:32,398,484, plus strand): 5'-GTGGCACCAAATACGAAACACCCATAAAGAAAAAAGAACTGAATTCTCCTCAGATGACTC[C>G]ATTTAAAAAATTCAATGAAATTTCTCTTTTGGAAAGTAATTCAATAGCTGACGAAGAACT-3'
Protein context (NP_000050.3, residues 3314-3334): KKELNSPQMT[Pro3324Arg]FKKFNEISLL

ClinVar aggregate classification (germline): Uncertain significance. Review status: criteria provided, single submitter (1 of 4 stars). 2 submissions from 2 submitters: Uncertain significance (1). 1 of the submissions does not count toward it. Last evaluated 2024-09-18.

Conditions:
Breast-ovarian cancer, familial, susceptibility to, 2 (BROVCA2). Also called: BRCA2 Hereditary Breast and Ovarian Cancer. Identifiers: Orphanet 145, MedGen C2675520, MONDO:0012933, OMIM 612555. Disease mechanism: loss of function.
Hereditary cancer-predisposing syndrome. Also called: Tumor predisposition; Hereditary neoplastic syndrome; Neoplastic Syndromes, Hereditary; Hereditary Cancer Syndrome. Identifiers: Orphanet 140162, MedGen C0027672, MeSH D009386, MONDO:0015356.

Submissions (2):

Ambry Genetics
Classification: Uncertain significance for Hereditary cancer-predisposing syndrome. Last evaluated: 2024-09-18. Review status: criteria provided, single submitter. Criteria: Ambry Variant Classification Scheme 2023. Collection method: clinical testing. Allele origin: germline.
Comment: The p.P3324R variant (also known as c.9971C>G), located in coding exon 26 of the BRCA2 gene, results from a C to G substitution at nucleotide position 9971. The proline at codon 3324 is replaced by arginine, an amino acid with dissimilar properties. This amino acid position is conserved. In addition, this alteration is predicted to be tolerated by in silico analysis. Based on the available evidence, the clinical significance of this variant remains unclear.

Department of Medical and Surgical Sciences, University of Bologna
Classification: Likely benign for Breast-ovarian cancer, familial, susceptibility to, 2. Last evaluated: 2023-09-01. Review status: no assertion criteria provided. Collection method: clinical testing. Allele origin: germline. Affected: yes. Not counted in ClinVar's aggregate classification.
Comment: BP1(Strong) according to ACMG/AMP classification guidelines specified for BRCA1 & BRCA2 (Classification Criteria V1.0.0 2023-09-08) (PMID: 38160042)